The following is an entry in ClinVar:

ClinVar aggregate classification (germline): Uncertain significance. Review status: criteria provided, multiple submitters, no conflicts (2 of 4 stars). 2 submissions from 2 submitters: Uncertain significance (2). Last evaluated 2024-03-12.

Conditions:
Inborn genetic diseases. Identifiers: MedGen C0950123, MeSH D030342.

gnomAD v4.1: 2 of 1,613,886 alleles (0.00012%); highest among the groups gnomAD compares: African/African-American, 0.0027%; no homozygotes.

Submissions (2):

Ambry Genetics
Classification: Uncertain significance for Inborn genetic diseases. Last evaluated: 2024-03-12. Review status: criteria provided, single submitter. Criteria: Ambry Variant Classification Scheme 2023. Collection method: clinical testing. Allele origin: germline.

GeneDx
Classification: Uncertain significance. Last evaluated: 2024-01-16. Review status: criteria provided, single submitter. Criteria: GeneDx Variant Classification Process June 2021. Collection method: clinical testing. Allele origin: germline. Affected: yes.
Comment: Not observed at significant frequency in large population cohorts (gnomAD); In silico analysis supports that this missense variant does not alter protein structure/function; Has not been previously published as pathogenic or benign to our knowledge

NM_017649.5(CNNM2):c.2529T>G (p.His843Gln)

Gene: CNNM2 (cyclin and CBS domain divalent metal cation transport mediator 2; plus strand). Cytogenetic location: 10q24.32.
Variant type: single nucleotide variant.
Coding change: c.2529T>G on transcript NM_017649.5 (MANE Select); coding-DNA position 2529, T replaced by G.
Protein change: p.His843Gln; replaces histidine 843 with glutamine.
Molecular consequence: missense variant.
Genome position (GRCh38, 1-based): chr10:103,077,081, T>G. VCF-style: chr10-103077081-T-G. GRCh37 (hg19) VCF-style: chr10-104836838-T-G.
Other names: c.2463T>G, p.His821Gln (NM_199076.3); c.2529T>G (NM_017649.4); short protein forms H843Q, H821Q.
Identifiers: ClinVar variation 3146552 (VCV003146552.2), dbSNP rs926981784, ClinGen allele CA212309546.